The following is an entry in ClinVar:

ClinVar aggregate classification (germline): Uncertain significance. Review status: criteria provided, multiple submitters, no conflicts (2 of 4 stars). 3 submissions from 3 submitters: Uncertain significance (3). Last evaluated 2026-07-13.

Conditions:
Inborn genetic diseases. Identifiers: MedGen C0950123, MeSH D030342.
TPRN-related disorder. Also called: TPRN-related condition.

Allele frequency attached by ClinVar (database versions not stated): TOPMed 0.00012; gnomAD exomes 0.00015; ExAC 0.00030.

Submissions (3):

PreventionGenetics, part of Exact Sciences
Classification: Uncertain significance for TPRN-related condition. Last evaluated: 2026-07-13. Review status: criteria provided, single submitter. Criteria: ACMG Guidelines, 2015. Collection method: clinical testing. Allele origin: germline.
Comment: The TPRN c.785C>A variant is predicted to result in the amino acid substitution p.Pro262His. To our knowledge, this variant has not been reported in the literature. This variant is reported in 0.030% of alleles in individuals of European (Non-Finnish) descent in gnomAD. At this time, the clinical significance of this variant is uncertain due to the absence of conclusive functional and genetic evidence.

Labcorp Genetics (formerly Invitae), Labcorp
Classification: Uncertain significance. Last evaluated: 2024-05-06. Review status: criteria provided, single submitter. Criteria: Invitae Variant Classification Sherloc (09022015). Collection method: clinical testing. Allele origin: germline.
Comment: This sequence change replaces proline, which is neutral and non-polar, with histidine, which is basic and polar, at codon 262 of the TPRN protein (p.Pro262His). This variant is present in population databases (rs781411318, gnomAD 0.03%), including at least one homozygous and/or hemizygous individual. This variant has not been reported in the literature in individuals affected with TPRN-related conditions. ClinVar contains an entry for this variant (Variation ID: 1516180). Advanced modeling of protein sequence and biophysical properties (such as structural, functional, and spatial information, amino acid conservation, physicochemical variation, residue mobility, and thermodynamic stability) performed at Invitae indicates that this missense variant is not expected to disrupt TPRN protein function with a negative predictive value of 80%. In summary, the available evidence is currently insufficient to determine the role of this variant in disease. Therefore, it has been classified as a Variant of Uncertain Significance.

Ambry Genetics
Classification: Uncertain significance for Inborn genetic diseases. Last evaluated: 2021-10-26. Review status: criteria provided, single submitter. Criteria: Ambry Variant Classification Scheme 2023. Collection method: clinical testing. Allele origin: germline.

NM_001128228.3(TPRN):c.785C>A (p.Pro262His)

Gene: TPRN (taperin; minus strand). Cytogenetic location: 9q34.3.
Variant type: single nucleotide variant.
Coding change: c.785C>A on transcript NM_001128228.3 (MANE Select); coding-DNA position 785, C replaced by A.
Protein change: p.Pro262His; replaces proline 262 with histidine.
Molecular consequence: missense variant.
Genome position (GRCh38, 1-based): chr9:137,199,927, G>T on the plus strand (C>A on the coding strand, the complement: TPRN is on the minus strand). VCF-style: chr9-137199927-G-T. GRCh37 (hg19) VCF-style: chr9-140094379-G-T.
Other names: c.785C>A (NM_001128228.2); short protein forms P262H.
Identifiers: ClinVar variation 1516180 (VCV001516180.9), dbSNP rs781411318, ClinGen allele CA5362882.